The following is an entry in ClinVar:

ClinVar aggregate classification (germline): Conflicting classifications of pathogenicity. Review status: criteria provided, conflicting classifications (1 of 4 stars). 4 submissions from 4 submitters: Likely pathogenic (3); Uncertain significance (1). Last evaluated 2025-09-02.

Conditions:
X-linked Alport syndrome (ATS1). Also called: COL4A5-Related Nephropathy; NEPHROPATHY AND DEAFNESS, X-LINKED. Identifiers: Orphanet 63, Orphanet 88917, MedGen C4746986, MONDO:0010520, OMIM 301050.

Submissions (4):

Natera, Inc.
Classification: Likely pathogenic for X-linked Alport syndrome. Last evaluated: 2025-09-02. Review status: criteria provided, single submitter. Criteria: Natera Variant Classification Schema (03/2026). Collection method: clinical testing. Allele origin: germline.
Comment: The c.511G>A variant in COL4A5 is a missense variant predicted to cause substitution of glycine to serine at amino acid 171. This variant is rare in the general population with a frequency below the threshold expected for the associated phenotype(s). This variant has been observed in affected individual(s) with monoallelic occurrence (heterozygous/hemizygous) (PMID: 39597783). This variant is located in a functionally critical region of the protein. Computational prediction algorithms indicate this variant is likely to affect gene or protein function. Given the available evidence, this variant is classified as Likely Pathogenic.

Labcorp Genetics (formerly Invitae), Labcorp
Classification: Likely pathogenic. Last evaluated: 2025-08-29. Review status: criteria provided, single submitter. Criteria: Invitae Variant Classification Sherloc (09022015). Collection method: clinical testing. Allele origin: germline.
Comment: This sequence change replaces glycine, which is neutral and non-polar, with serine, which is neutral and polar, at codon 171 of the COL4A5 protein (p.Gly171Ser). This variant is not present in population databases (gnomAD no frequency). This missense change has been observed in individual(s) with clinical features of Alport syndrome (internal data). ClinVar contains an entry for this variant (Variation ID: 1470047). Invitae Evidence Modeling of protein sequence and biophysical properties (such as structural, functional, and spatial information, amino acid conservation, physicochemical variation, residue mobility, and thermodynamic stability) indicates that this missense variant is expected to disrupt COL4A5 protein function with a positive predictive value of 95%. This variant disrupts the triple helix domain of COL4A5. Glycine residues within the Gly-Xaa-Yaa repeats of the triple helix domain are required for the structure and stability of fibrillar collagens (PMID: 7695699, 8218237, 19344236). In COL4A5, missense variants at these glycine residues are significantly enriched in individuals with disease (PMID: 23720012, 27627812) compared to the general population (ExAC). In summary, the currently available evidence indicates that the variant is pathogenic, but additional data are needed to prove that conclusively. Therefore, this variant has been classified as Likely Pathogenic.

3billion
Classification: Likely pathogenic for X-linked Alport syndrome. Last evaluated: 2025-08-21. Review status: criteria provided, single submitter. Criteria: ACMG Guidelines, 2015. Collection method: clinical testing. Allele origin: germline. Affected: yes.
Comment: The variant is not observed in the gnomAD v4.1.0 dataset. Predicted Consequence/Location: The variant is located in a mutational hot spot and/or well-established functional domain in which established pathogenic variants have been reported (N/A). In silico tool predictions suggest damaging effect of the variant on gene or gene product [REVEL: 0.96 (>=0.6, sensitivity 0.68 and specificity 0.92); 3Cnet: 0.97 (> 0.75, sensitivity 0.96 and precision 0.92)]. The same nucleotide change resulting in the same amino acid change has been previously reported to be associated with COL4A5-related disorder (ClinVar ID: VCV001470047 /3billion dataset).Different missense changes at the same codon (p.Gly171Arg, p.Gly171Cys) have been reported as pathogenic/likely pathogenic with strong evidence (ClinVar ID: VCV000447213, VCV001705311 /3billion dataset). Therefore, this variant is classified as Likely pathogenic according to the recommendation of ACMG/AMP guideline.

Women's Health and Genetics/Laboratory Corporation of America, LabCorp
Classification: Uncertain significance. Last evaluated: 2025-07-31. Review status: criteria provided, single submitter. Criteria: LabCorp Variant Classification Summary - May 2015. Collection method: clinical testing. Allele origin: germline.
Comment: Variant summary: COL4A5 c.511G>A (p.Gly171Ser) results in a non-conservative amino acid change located in the Collagen triple helix repeat region (IPR008160) of the encoded protein sequence. This missense variant disrupts a glycine residue at position 1 of a Gly-X-Y repeat in the collagenous domain of the collagen IV alpha 5 chain, however, the impact of this specific amino acid change does not allow definitive categorization (PMID: 33854215). The variant was absent in 183318 control chromosomes (gnomAD). c.511G>A has been observed in individual(s) affected with Alport Syndrome 1, X-Linked Recessive (Labcorp (formerly Invitae) internal case(s)). These data indicate that the variant may be associated with disease. To our knowledge, no experimental evidence demonstrating an impact on protein function has been reported. ClinVar contains an entry for this variant (Variation ID: 1470047). Based on the evidence outlined above, the variant was classified as VUS-possibly pathogenic.

Literature cited by the submitters: PubMed 39597783 (cited by Natera, Inc.); PubMed 7695699 (cited by Labcorp Genetics (formerly Invitae), Labcorp); PubMed 8218237 (cited by Labcorp Genetics (formerly Invitae), Labcorp); PubMed 19344236 (cited by Labcorp Genetics (formerly Invitae), Labcorp); PubMed 23720012 (cited by Labcorp Genetics (formerly Invitae), Labcorp); PubMed 27627812 (cited by Labcorp Genetics (formerly Invitae), Labcorp).

NM_033380.3(COL4A5):c.511G>A (p.Gly171Ser)

Gene: COL4A5 (collagen type IV alpha 5 chain; plus strand). Cytogenetic location: Xq22.3.
Variant type: single nucleotide variant.
Coding change: c.511G>A on transcript NM_033380.3 (MANE Select); coding-DNA position 511, G replaced by A.
Protein change: p.Gly171Ser; replaces glycine 171 with serine.
Molecular consequence: missense variant.
Genome position (GRCh38, 1-based): chrX:108,573,619, G>A. VCF-style: chrX-108573619-G-A. GRCh37 (hg19) VCF-style: chrX-107816849-G-A.
Other names: c.511G>A, p.Gly171Ser (NM_000495.5); c.511G>A (NM_000495.4); short protein forms G171S.
Identifiers: ClinVar variation 1470047 (VCV001470047.11), dbSNP rs1556404027, ClinGen allele CA413920954.